The following is an entry in ClinVar:

NM_001365276.2(TNXB):c.7505del (p.Asp2502fs)

Gene: TNXB (tenascin XB; minus strand). Cytogenetic location: 6p21.33.
Variant type: Deletion.
Coding change: c.7505del on transcript NM_001365276.2 (MANE Select); coding-DNA position 7505, one base deleted (A; older notation c.7505delA).
Protein change: p.Asp2502fs; shifts the reading frame from aspartic acid 2502.
Molecular consequence: frameshift variant.
Genome position (GRCh38, 1-based): chr6:32,058,378, T deleted on the plus strand (A on the coding strand, the reverse complement: TNXB is on the minus strand). VCF-style (leftmost placement, unchanged base first): chr6-32058377-AT-A. GRCh37 (hg19) VCF-style: chr6-32026154-AT-A.
Other names: c.7505delA (NM_019105.8); c.8246del, p.Asp2749fs (NM_001428335.1); c.7505del, p.Asp2502fs (NM_019105.8); short protein forms D2502fs, D2749fs.
Identifiers: ClinVar variation 3593460 (VCV003593460.2).
Genomic context (GRCh38, chr6:32,058,377, plus strand): 5'-CTCCTCGGGGGGCCCTGGGGCCTCTGTGCCTGGTTCTGTAGGGCTGGGGGTCTCGTCCAC[AT>A]CCTCTTGTGGGGCTGAAAGGTAATATAGGGGGATACAGAGTTTAAGGGTTTAAGGGCAAC-3'

ClinVar aggregate classification (germline): Pathogenic/Likely pathogenic. Review status: criteria provided, multiple submitters, no conflicts (2 of 4 stars). 2 submissions from 2 submitters: Pathogenic (1); Likely pathogenic (1). Last evaluated 2024-12-03.

Conditions:
Ehlers-Danlos syndrome due to tenascin-X deficiency (EDSCLL1). Also called: EDS DUE TO TNX DEFICIENCY; TNX DEFICIENCY; TNXB-Related Classical-Like Ehlers-Danlos Syndrome; EHLERS-DANLOS SYNDROME, CLASSIC-LIKE; Ehlers-Danlos syndrome, classic-like, 1. Identifiers: Orphanet 230839, MedGen C1848029, MONDO:0011670, OMIM 606408.
Vesicoureteral reflux 8 (VUR8). Identifiers: Orphanet 289365, MedGen C4014831, MONDO:0014422, OMIM 615963.

Submissions (2):

Women's Health and Genetics/Laboratory Corporation of America, LabCorp
Classification: Pathogenic for Ehlers-Danlos syndrome due to tenascin-X deficiency. Last evaluated: 2024-12-03. Review status: criteria provided, single submitter. Criteria: LabCorp Variant Classification Summary - May 2015. Collection method: clinical testing. Allele origin: germline.
Comment: Variant summary: TNXB c.7505delA (p.Asp2502ValfsX27) results in a premature termination codon, predicted to cause a truncation of the encoded protein or absence of the protein due to nonsense mediated decay, which are commonly known mechanisms for disease. The variant was absent in 234916 control chromosomes (gnomAD). To our knowledge, no occurrence of c.7505delA in individuals affected with Ehlers-Danlos syndrome due to tenascin-X deficiency and no experimental evidence demonstrating its impact on protein function have been reported. No submitters have cited clinical-significance assessments for this variant to ClinVar. Based on the evidence outlined above, the variant was classified as pathogenic.

Fulgent Genetics
Classification: Likely pathogenic for Ehlers-Danlos syndrome due to tenascin-X deficiency; Vesicoureteral reflux 8. Last evaluated: 2024-01-15. Review status: criteria provided, single submitter. Criteria: ACMG Guidelines, 2015. Collection method: clinical testing. Allele origin: germline.